The following is an entry in ClinVar:

NM_000497.4(CYP11B1):c.1399-23T>G

Genes: CYP11B1 (cytochrome P450 family 11 subfamily B member 1; minus strand), LOC106799833 (CYP11B1 recombination region; plus strand). Cytogenetic location: 8q24.3.
Variant type: single nucleotide variant.
Coding change: c.1399-23T>G on transcript NM_000497.4 (MANE Select); 23 bases into the intron before coding-DNA position 1399, T replaced by G.
Molecular consequence: intron variant.
Genome position (GRCh38, 1-based): chr8:142,874,509, A>C on the plus strand (T>G on the coding strand, the complement: CYP11B1 is on the minus strand). VCF-style: chr8-142874509-A-C. GRCh37 (hg19) VCF-style: chr8-143955925-A-C.
Other names: c.1399-23T>G (NM_000497.3); c.1201-23T>G (NM_001026213.1).
Identifiers: ClinVar variation 2658888 (VCV002658888.25), dbSNP rs143119372, ClinGen allele CA4904969.

ClinVar aggregate classification (germline): Benign/Likely benign. Review status: criteria provided, multiple submitters, no conflicts (2 of 4 stars). 2 submissions from 2 submitters: Benign (1); Likely benign (1). Last evaluated 2026-06-01.

Conditions:
Deficiency of steroid 11-beta-monooxygenase (CYP11B1). Also called: ADRENAL HYPERPLASIA IV; ADRENAL HYPERPLASIA, CONGENITAL, DUE TO STEROID 11-BETA-HYDROXYLASE DEFICIENCY; 11-BETA-HYDROXYLASE DEFICIENCY; P450C11B1 DEFICIENCY; STEROID 11-BETA-HYDROXYLASE DEFICIENCY; Congenital adrenal hyperplasia due to 11-beta-hydroxylase deficiency. Identifiers: Orphanet 90795, MedGen C0268292, MONDO:0008729, OMIM 202010. Disease mechanism: loss of function.

Allele frequency attached by ClinVar (database versions not stated): 1000 Genomes Project 30x 0.00156; 1000 Genomes Project 0.00160; gnomAD 0.00180; ESP Exome Variant Server 0.00223.
gnomAD v4.1: 3,771 of 1,562,258 alleles (0.24%); highest among the groups gnomAD compares: South Asian, 1%; 18 homozygotes.

Submissions (2):

CeGaT Center for Human Genetics Tuebingen
Classification: Benign. Last evaluated: 2026-06-01. Review status: criteria provided, single submitter. Criteria: CeGaT Center For Human Genetics Tuebingen Variant Classification Criteria Version 2. Collection method: clinical testing. Allele origin: germline. Affected: yes. Observed: 3 variant alleles.
Comment: CYP11B1: BS1, BS2

Victorian Clinical Genetics Services, Murdoch Childrens Research Institute
Classification: Likely benign for Deficiency of steroid 11-beta-monooxygenase. Last evaluated: 2024-10-09. Review status: criteria provided, single submitter. Criteria: ACMG Guidelines, 2015. Collection method: clinical testing. Allele origin: germline. Inheritance: Autosomal recessive inheritance.
Comment: Based on the classification scheme VCGS_Germline_v1.3.4, this variant is classified as Likely benign. Following criteria are met: 0102 - Loss of function is a known mechanism of disease in this gene and is associated with adrenal hyperplasia, congenital, due to 11-beta-hydroxylase deficiency (MIM#202010). The mechanism for aldosteronism, glucocorticoid-remediable (MIM#103900) is unclear. (I) 0108 - This gene is associated with both recessive and dominant disease. Recessive disease is caused by biallelic variants. Dominant disease is caused by a fusion event between the regulatory region of CYP11B1 and coding region of CYP11B2 (OMIM). (I) 0218 - Non-coding variant without known or predicted effect. (I) 0252 - This variant is homozygous. (I) 0304 - Variant is present in gnomAD <0.01 for a recessive condition (v2: 824 heterozygotes, 3 homozygotes). (I) 0806 - This variant has moderate previous evidence of being benign in unrelated individuals. This variant has been classified as likely benign by a clinical laboratory in ClinVar. (SB) 1208 - Inheritance information for this variant is not currently available in this individual. (I) Legend: (SP) - Supporting pathogenic, (I) - Information, (SB) - Supporting benign